The following is an entry in ClinVar:

ClinVar aggregate classification (germline): Uncertain significance (1 of 4 stars; one submission).

Conditions:
Hereditary cancer-predisposing syndrome. Also called: Neoplastic Syndromes, Hereditary; Tumor predisposition; Hereditary neoplastic syndrome; Hereditary Cancer Syndrome. Identifiers: Orphanet 140162, MedGen C0027672, MeSH D009386, MONDO:0015356.

Submission:

Ambry Genetics
Classification: Uncertain significance for Hereditary cancer-predisposing syndrome. Last evaluated: 2023-07-28. Review status: criteria provided, single submitter. Criteria: Ambry Variant Classification Scheme 2023. Collection method: clinical testing. Allele origin: germline.
Comment: The p.Q218H variant (also known as c.654G>C), located in coding exon 5 of the ATM gene, results from a G to C substitution at nucleotide position 654. The glutamine at codon 218 is replaced by histidine, an amino acid with highly similar properties. This amino acid position is well conserved in available vertebrate species; however, histidine is the reference amino acid in several mammalian species. In addition, this alteration is predicted to be tolerated by in silico analysis. Since supporting evidence is limited at this time, the clinical significance of this alteration remains unclear.

NM_000051.4(ATM):c.654G>C (p.Gln218His)

Gene: ATM (ATM serine/threonine kinase; plus strand). Cytogenetic location: 11q22.3.
Variant type: single nucleotide variant.
Coding change: c.654G>C on transcript NM_000051.4 (MANE Select); coding-DNA position 654, G replaced by C.
Protein change: p.Gln218His; replaces glutamine 218 with histidine.
Molecular consequence: missense variant.
Genome position (GRCh38, 1-based): chr11:108,244,110, G>C. VCF-style: chr11-108244110-G-C. GRCh37 (hg19) VCF-style: chr11-108114837-G-C.
Other names: c.654G>C, p.Gln218His (NM_001351834.2); short protein forms Q218H.
Identifiers: ClinVar variation 826477 (VCV000826477.5), dbSNP rs1555066555, ClinGen allele CA382528572.